The following is an entry in ClinVar:

ClinVar aggregate classification (germline): Uncertain significance. Review status: criteria provided, multiple submitters, no conflicts (2 of 4 stars). 2 submissions from 2 submitters: Uncertain significance (2). Last evaluated 2024-11-04.

Conditions:
Malignant hyperthermia, susceptibility to, 1 (MHS1). Also called: Anesthesia related hyperthermia; Malignant hyperpyrexia; Fulminating hyperpyrexia; Pharmacogenic myopathy; RYR1-Related Malignant Hyperthermia Susceptibility; Malignant hyperthermia suceptibility 1. Identifiers: Orphanet 423, MedGen C2930980, MONDO:0007783, OMIM 145600.
RYR1-related disorder. Also called: RYR1-related condition; RYR1-related disorders. Identifiers: MedGen CN239331.

Allele frequency attached by ClinVar (database versions not stated): gnomAD exomes below 0.00001; gnomAD 0.00001.
gnomAD v4.1: 5 of 1,613,986 alleles (0.00031%); highest among the groups gnomAD compares: Admixed American, 0.0017%; no homozygotes.

Submissions (2):

Labcorp Genetics (formerly Invitae), Labcorp
Classification: Uncertain significance for RYR1-related disorder. Last evaluated: 2024-11-04. Review status: criteria provided, single submitter. Criteria: Invitae Variant Classification Sherloc (09022015). Collection method: clinical testing. Allele origin: germline.
Comment: This sequence change replaces alanine, which is neutral and non-polar, with threonine, which is neutral and polar, at codon 4906 of the RYR1 protein (p.Ala4906Thr). This variant is present in population databases (no rsID available, gnomAD 0.007%). This variant has not been reported in the literature in individuals affected with RYR1-related conditions. ClinVar contains an entry for this variant (Variation ID: 3073642). Invitae Evidence Modeling of protein sequence and biophysical properties (such as structural, functional, and spatial information, amino acid conservation, physicochemical variation, residue mobility, and thermodynamic stability) has been performed for this missense variant. However, the output from this modeling did not meet the statistical confidence thresholds required to predict the impact of this variant on RYR1 protein function. This variant disrupts the p.Ala4906 amino acid residue in RYR1. Other variant(s) that disrupt this residue have been determined to be pathogenic (PMID: 11741831, 12642598; internal data). This suggests that this residue is clinically significant, and that variants that disrupt this residue are likely to be disease-causing. In summary, the available evidence is currently insufficient to determine the role of this variant in disease. Therefore, it has been classified as a Variant of Uncertain Significance.

All of Us Research Program, National Institutes of Health
Classification: Uncertain significance for Malignant hyperthermia, susceptibility to, 1. Last evaluated: 2023-10-02. Review status: criteria provided, single submitter. Criteria: ACMG Guidelines, 2015. Collection method: clinical testing. Allele origin: germline. Inheritance: Autosomal dominant inheritance. Observed: 1 variant allele, 1 heterozygote.
Comment: This missense variant replaces alanine with threonine at codon 4906 of the RYR1 protein. Computational prediction suggests that this variant may have deleterious impact on protein structure and function (internally defined REVEL score threshold >= 0.7, PMID: 27666373). To our knowledge, functional studies have not been reported for this variant. This variant has not been reported in individuals affected with RYR1-related disorders in the literature. This variant has been identified in 1/31388 chromosomes in the general population by the Genome Aggregation Database (gnomAD). The available evidence is insufficient to determine the role of this variant in disease conclusively. Therefore, this variant is classified as a Variant of Uncertain Significance.

This study involves interpretation of variants in research participants for the purpose of population health screening. Participant phenotype was not available at the time of variant classification. Additional details can be found in publication PMID: 35346344, PMCID: PMC8962531

Literature cited by the submitters: PubMed 11741831 (cited by Labcorp Genetics (formerly Invitae), Labcorp); PubMed 12642598 (cited by Labcorp Genetics (formerly Invitae), Labcorp).

NM_000540.3(RYR1):c.14716G>A (p.Ala4906Thr)

Gene: RYR1 (ryanodine receptor 1; plus strand). Cytogenetic location: 19q13.2.
Variant type: single nucleotide variant.
Coding change: c.14716G>A on transcript NM_000540.3 (MANE Select); coding-DNA position 14716, G replaced by A.
Protein change: p.Ala4906Thr; replaces alanine 4906 with threonine.
Molecular consequence: missense variant.
Genome position (GRCh38, 1-based): chr19:38,585,012, G>A. VCF-style: chr19-38585012-G-A. GRCh37 (hg19) VCF-style: chr19-39075652-G-A.
Other names: c.14701G>A, p.Ala4901Thr (NM_001042723.2); short protein forms A4901T, A4906T.
Identifiers: ClinVar variation 3073642 (VCV003073642.3), dbSNP rs1467742744, ClinGen allele CA405690492.
Genomic context (GRCh38, chr19:38,585,012, plus strand): 5'-TTTCACATGTACGTGGGTGTCCGGGCTGGCGGAGGCATTGGGGACGAGATCGAGGACCCC[G>A]CGGGTGACGAATACGAGCTCTACAGGGTGGTCTTCGACATCACCTTCTTCTTCTTCGTCA-3'
Protein context (NP_000531.2, residues 4896-4916): GGIGDEIEDP[Ala4906Thr]GDEYELYRVV